The following is an entry in ClinVar:

ClinVar aggregate classification (germline): Uncertain significance. Review status: criteria provided, multiple submitters, no conflicts (2 of 4 stars). 3 submissions from 3 submitters: Uncertain significance (3). Last evaluated 2024-12-15.

Conditions:
Baller-Gerold syndrome (BGS). Also called: CRANIOSYNOSTOSIS WITH RADIAL DEFECTS. Identifiers: Orphanet 1225, MedGen C0265308, MONDO:0009039, OMIM 218600.

Allele frequency attached by ClinVar (database versions not stated): gnomAD 0.00001 and 0.00002; gnomAD exomes 0.00002; ExAC 0.00005; TOPMed 0.00005.
gnomAD v4.1: 85 of 1,609,002 alleles (0.0053%); highest among the groups gnomAD compares: Middle Eastern, 0.016%; no homozygotes.

Submissions (3):

Labcorp Genetics (formerly Invitae), Labcorp
Classification: Uncertain significance for Baller-Gerold syndrome. Last evaluated: 2024-12-15. Review status: criteria provided, single submitter. Criteria: Invitae Variant Classification Sherloc (09022015). Collection method: clinical testing. Allele origin: germline.
Comment: This sequence change replaces histidine, which is basic and polar, with leucine, which is neutral and non-polar, at codon 725 of the RECQL4 protein (p.His725Leu). This variant is present in population databases (rs755481980, gnomAD 0.004%). This variant has not been reported in the literature in individuals affected with RECQL4-related conditions. ClinVar contains an entry for this variant (Variation ID: 407035). Invitae Evidence Modeling of protein sequence and biophysical properties (such as structural, functional, and spatial information, amino acid conservation, physicochemical variation, residue mobility, and thermodynamic stability) indicates that this missense variant is not expected to disrupt RECQL4 protein function with a negative predictive value of 80%. In summary, the available evidence is currently insufficient to determine the role of this variant in disease. Therefore, it has been classified as a Variant of Uncertain Significance.

Blueprint Genetics
Classification: Uncertain significance. Last evaluated: 2024-10-21. Review status: criteria provided, single submitter. Criteria: ACMG Guidelines, 2015. Collection method: clinical testing. Allele origin: germline.

GeneDx
Classification: Uncertain significance. Last evaluated: 2022-02-28. Review status: criteria provided, single submitter. Criteria: GeneDx Variant Classification Process June 2021. Collection method: clinical testing. Allele origin: germline. Affected: yes.
Comment: In silico analysis supports that this missense variant does not alter protein structure/function; Has not been previously published as pathogenic or benign to our knowledge

NM_004260.4(RECQL4):c.2174A>T (p.His725Leu)

Gene: RECQL4 (RecQ like helicase 4; minus strand). Cytogenetic location: 8q24.3.
Variant type: single nucleotide variant.
Coding change: c.2174A>T on transcript NM_004260.4 (MANE Select); coding-DNA position 2174, A replaced by T.
Protein change: p.His725Leu; replaces histidine 725 with leucine.
Molecular consequence: missense variant.
Genome position (GRCh38, 1-based): chr8:144,513,597, T>A on the plus strand (A>T on the coding strand, the complement: RECQL4 is on the minus strand). VCF-style: chr8-144513597-T-A. GRCh37 (hg19) VCF-style: chr8-145738981-T-A.
Other names: short protein forms H725L.
Identifiers: ClinVar variation 407035 (VCV000407035.10), dbSNP rs755481980, ClinGen allele CA4948433.